The following is an entry in ClinVar:

NM_000405.5(GM2A):c.574G>A (p.Gly192Ser)

Gene: GM2A (ganglioside GM2 activator; plus strand). Cytogenetic location: 5q33.1.
Variant type: single nucleotide variant.
Coding change: c.574G>A on transcript NM_000405.5 (MANE Select); coding-DNA position 574, G replaced by A.
Protein change: p.Gly192Ser; replaces glycine 192 with serine.
Molecular consequence: missense variant. On other transcripts: intron variant (1).
Genome position (GRCh38, 1-based): chr5:151,267,443, G>A. VCF-style: chr5-151267443-G-A. GRCh37 (hg19) VCF-style: chr5-150647004-G-A.
Other names: c.413-49G>A (NM_001167607.3); short protein forms G192S.
Identifiers: ClinVar variation 2179283 (VCV002179283.4), dbSNP rs1204733482, ClinGen allele CA361809047.

ClinVar aggregate classification (germline): Uncertain significance (1 of 4 stars; one submission).

Conditions:
Tay-Sachs disease, variant AB. Also called: Gm2-gangliosidosis, ab variant; GM2 Activator Deficiency. Identifiers: Orphanet 309246, MedGen C0268275, MONDO:0010099, OMIM 272750.

Allele frequency attached by ClinVar (database versions not stated): gnomAD 0.00002; TOPMed 0.00002.
gnomAD v4.1: 9 of 1,614,002 alleles (0.00056%); highest among the groups gnomAD compares: Admixed American, 0.0017%; no homozygotes.

Submission:

Labcorp Genetics (formerly Invitae), Labcorp
Classification: Uncertain significance for Tay-Sachs disease, variant AB. Last evaluated: 2022-07-30. Review status: criteria provided, single submitter. Criteria: Invitae Variant Classification Sherloc (09022015). Collection method: clinical testing. Allele origin: germline.
Comment: Algorithms developed to predict the effect of missense changes on protein structure and function output the following: SIFT: "Tolerated"; PolyPhen-2: "Probably Damaging"; Align-GVGD: "Class C0". The serine amino acid residue is found in multiple mammalian species, which suggests that this missense change does not adversely affect protein function. In summary, the available evidence is currently insufficient to determine the role of this variant in disease. Therefore, it has been classified as a Variant of Uncertain Significance. This variant has not been reported in the literature in individuals affected with GM2A-related conditions. This variant is present in population databases (no rsID available, gnomAD 0.0009%). This sequence change replaces glycine, which is neutral and non-polar, with serine, which is neutral and polar, at codon 192 of the GM2A protein (p.Gly192Ser).